The following is an entry in ClinVar:

NM_031924.8(RSPH3):c.-261_-260del

Gene: RSPH3 (radial spoke head 3; minus strand). Cytogenetic location: 6q25.3.
Variant type: Deletion.
Coding change: c.-261_-260del on transcript NM_031924.8 (MANE Select); 261 bases upstream of the start codon through 260 bases upstream of the start codon, 2 bases deleted (CC; older notation c.-261_-260delCC).
Molecular consequence: 5 prime UTR variant. On other transcripts: frameshift variant (1), non-coding transcript variant (1).
Genome position (GRCh38, 1-based): chr6:158,999,810-158,999,811, GG deleted on the plus strand (CC on the coding strand, the reverse complement: RSPH3 is on the minus strand); deleting any 2 consecutive bases within chr6:158,999,810-158,999,814 gives the same sequence; the c. name uses the placement nearest the transcript's 3' end. VCF-style (leftmost placement, unchanged base first): chr6-158999809-TGG-T. GRCh37 (hg19) VCF-style: chr6-159420841-TGG-T.
Other names: c.166_167del, p.Pro56fs (NM_001346418.1); short protein forms P56fs.
Identifiers: ClinVar variation 3705611 (VCV003705611.2).

ClinVar aggregate classification (germline): Pathogenic (1 of 4 stars; one submission).

Conditions:
Primary ciliary dyskinesia 32. Also called: CILIARY DYSKINESIA, PRIMARY, 32, WITHOUT SITUS INVERSUS. Identifiers: Orphanet 244, MedGen C4225311, MONDO:0014657, OMIM 616481.

Submission:

Labcorp Genetics (formerly Invitae), Labcorp
Classification: Pathogenic for Primary ciliary dyskinesia 32. Last evaluated: 2024-06-05. Review status: criteria provided, single submitter. Criteria: Invitae Variant Classification Sherloc (09022015). Collection method: clinical testing. Allele origin: germline.
Comment: This sequence change creates a premature translational stop signal (p.Pro56Argfs*34) in the RSPH3 gene. It is expected to result in an absent or disrupted protein product. Loss-of-function variants in RSPH3 are known to be pathogenic (PMID: 26073779). This variant is not present in population databases (gnomAD no frequency). This variant has not been reported in the literature in individuals affected with RSPH3-related conditions. For these reasons, this variant has been classified as Pathogenic.

Literature cited by the submitters: PubMed 26073779.